The following is an entry in ClinVar:

NM_020461.4(TUBGCP6):c.3874_3893dup (p.His1300fs)

Gene: TUBGCP6 (tubulin gamma complex component 6; minus strand). Cytogenetic location: 22q13.33.
Variant type: Duplication.
Coding change: c.3874_3893dup on transcript NM_020461.4 (MANE Select); coding-DNA positions 3874 to 3893, 20 bases duplicated (AGGCCCCAACAGAGCCCCCC).
Protein change: p.His1300fs; shifts the reading frame from histidine 1300.
Molecular consequence: frameshift variant.
Genome position (GRCh38, 1-based): chr22:50,220,466-50,220,485, GGGGGGCTCTGTTGGGGCCT duplicated on the plus strand (AGGCCCCAACAGAGCCCCCC on the coding strand, the reverse complement: TUBGCP6 is on the minus strand); duplicating any 20 consecutive bases within chr22:50,220,466-50,220,488 gives the same sequence; the c. name uses the placement nearest the transcript's 3' end. VCF-style (leftmost placement, unchanged base first): chr22-50220465-A-AGGGGGGCTCTGTTGGGGCCT. GRCh37 (hg19) VCF-style: chr22-50658894-A-AGGGGGGCTCTGTTGGGGCCT.
Other names: short protein forms H1300fs.
Identifiers: ClinVar variation 3657178 (VCV003657178.2).

ClinVar aggregate classification (germline): Pathogenic (1 of 4 stars; one submission).

Submission:

Labcorp Genetics (formerly Invitae), Labcorp
Classification: Pathogenic. Last evaluated: 2024-07-07. Review status: criteria provided, single submitter. Criteria: Invitae Variant Classification Sherloc (09022015). Collection method: clinical testing. Allele origin: germline.
Comment: This sequence change creates a premature translational stop signal (p.His1300Profs*31) in the TUBGCP6 gene. It is expected to result in an absent or disrupted protein product. Loss-of-function variants in TUBGCP6 are known to be pathogenic (PMID: 25344692). This variant is not present in population databases (gnomAD no frequency). This variant has not been reported in the literature in individuals affected with TUBGCP6-related conditions. For these reasons, this variant has been classified as Pathogenic.

Literature cited by the submitters: PubMed 25344692.